The following is an entry in ClinVar:

ClinVar aggregate classification (germline): Uncertain significance (1 of 4 stars; one submission).

Allele frequency attached by ClinVar (database versions not stated): gnomAD exomes 0.00002; TOPMed 0.00002; gnomAD 0.00003; ExAC 0.00010.
gnomAD v4.1: 38 of 1,613,594 alleles (0.0024%); highest among the groups gnomAD compares: Non-Finnish European, 0.0031%; no homozygotes.

Submission:

Labcorp Genetics (formerly Invitae), Labcorp
Classification: Uncertain significance. Last evaluated: 2024-04-18. Review status: criteria provided, single submitter. Criteria: Invitae Variant Classification Sherloc (09022015). Collection method: clinical testing. Allele origin: germline.
Comment: This sequence change replaces isoleucine, which is neutral and non-polar, with phenylalanine, which is neutral and non-polar, at codon 1220 of the ASXL1 protein (p.Ile1220Phe). This variant is present in population databases (rs761774988, gnomAD 0.01%). This variant has not been reported in the literature in individuals affected with ASXL1-related conditions. ClinVar contains an entry for this variant (Variation ID: 2168558). An algorithm developed to predict the effect of missense changes on protein structure and function (PolyPhen-2) suggests that this variant is likely to be tolerated. Algorithms developed to predict the effect of sequence changes on RNA splicing suggest that this variant may create or strengthen a splice site. In summary, the available evidence is currently insufficient to determine the role of this variant in disease. Therefore, it has been classified as a Variant of Uncertain Significance.

NM_015338.6(ASXL1):c.3658A>T (p.Ile1220Phe)

Gene: ASXL1 (ASXL transcriptional regulator 1; plus strand). Cytogenetic location: 20q11.21.
Variant type: single nucleotide variant.
Coding change: c.3658A>T on transcript NM_015338.6 (MANE Select); coding-DNA position 3658, A replaced by T.
Protein change: p.Ile1220Phe; replaces isoleucine 1220 with phenylalanine.
Molecular consequence: missense variant.
Genome position (GRCh38, 1-based): chr20:32,436,370, A>T. VCF-style: chr20-32436370-A-T. GRCh37 (hg19) VCF-style: chr20-31024173-A-T.
Other names: c.3475A>T, p.Ile1159Phe (NM_001363734.1); short protein forms I1220F, I1159F.
Identifiers: ClinVar variation 2168558 (VCV002168558.4), dbSNP rs761774988, ClinGen allele CA9808871.
Genomic context (GRCh38, chr20:32,436,370, plus strand): 5'-CCCCAAAAGAATTGCAAGGCAGTCCCAAGTTTTGACTCCCTCCATCCAGTGACAAATCCC[A>T]TTACATCCTCTAGGAAACTGGAAGAAATGGATTCCAAAGAGCAGTTCTCTTCCTTTAGTT-3'
Protein context (NP_056153.2, residues 1210-1230): FDSLHPVTNP[Ile1220Phe]TSSRKLEEMD